The following is an entry in ClinVar:

NM_005591.4(MRE11):c.154G>A (p.Val52Met)

Gene: MRE11 (MRE11 double strand break repair nuclease; minus strand). Cytogenetic location: 11q21.
Variant type: single nucleotide variant.
Coding change: c.154G>A on transcript NM_005591.4 (MANE Select); coding-DNA position 154, G replaced by A.
Protein change: p.Val52Met; replaces valine 52 with methionine.
Molecular consequence: missense variant.
Genome position (GRCh38, 1-based): chr11:94,486,084, C>T on the plus strand (G>A on the coding strand, the complement: MRE11 is on the minus strand). VCF-style: chr11-94486084-C-T. GRCh37 (hg19) VCF-style: chr11-94219250-C-T.
Other names: c.154G>A, p.Val52Met (NM_001330347.2, NM_005590.4); short protein forms V52M.
Identifiers: ClinVar variation 3397899 (VCV003397899.1).

ClinVar aggregate classification (germline): Uncertain significance (1 of 4 stars; one submission).

Conditions:
Hereditary cancer-predisposing syndrome. Also called: Hereditary Cancer Syndrome; Tumor predisposition; Hereditary neoplastic syndrome; Neoplastic Syndromes, Hereditary. Identifiers: Orphanet 140162, MedGen C0027672, MeSH D009386, MONDO:0015356.

Submission:

Ambry Genetics
Classification: Uncertain significance for Hereditary cancer-predisposing syndrome. Last evaluated: 2024-12-10. Review status: criteria provided, single submitter. Criteria: Ambry Variant Classification Scheme 2023. Collection method: clinical testing. Allele origin: germline.
Comment: The p.V52M variant (also known as c.154G>A) is located in coding exon 3 of the MRE11A gene. The valine at codon 52 is replaced by methionine, an amino acid with highly similar properties. This change occurs in the first base pair of coding exon 3. This amino acid position is conserved. In addition, this alteration is predicted to be deleterious by in silico analysis. Based on the available evidence, the clinical significance of this variant remains unclear.